The following is an entry in ClinVar:

NM_000346.4(SOX9):c.89C>T (p.Ser30Phe)

Genes: SOX9 (SRY-box transcription factor 9; plus strand), LOC108021846 (SOX9 promoter region; plus strand). Cytogenetic location: 17q24.3.
Variant type: single nucleotide variant.
Coding change: c.89C>T on transcript NM_000346.4 (MANE Select); coding-DNA position 89, C replaced by T.
Protein change: p.Ser30Phe; replaces serine 30 with phenylalanine.
Molecular consequence: missense variant.
Genome position (GRCh38, 1-based): chr17:72,121,480, C>T. VCF-style: chr17-72121480-C-T. GRCh37 (hg19) VCF-style: chr17-70117621-C-T.
Other names: short protein forms S30F.
Identifiers: ClinVar variation 4070638 (VCV004070638.1).

ClinVar aggregate classification (germline): Uncertain significance (1 of 4 stars; one submission).

gnomAD v4.1: 1 of 1,612,128 alleles (0.000062%); highest among the groups gnomAD compares: Non-Finnish European, 0.000085%; no homozygotes.

Submission:

GeneDx
Classification: Uncertain significance. Last evaluated: 2024-12-20. Review status: criteria provided, single submitter. Criteria: GeneDx Variant Classification Process June 2021. Collection method: clinical testing. Allele origin: germline. Affected: yes.
Comment: Not observed at significant frequency in large population cohorts (gnomAD); In silico analysis supports that this missense variant has a deleterious effect on protein structure/function; Has not been previously published as pathogenic or benign to our knowledge